The following is an entry in ClinVar:

NM_182914.3(SYNE2):c.7681A>T (p.Lys2561Ter)

Gene: SYNE2 (spectrin repeat containing nuclear envelope protein 2; plus strand). Cytogenetic location: 14q23.2.
Variant type: single nucleotide variant.
Coding change: c.7681A>T on transcript NM_182914.3 (MANE Select); coding-DNA position 7681, A replaced by T.
Protein change: p.Lys2561Ter; replaces lysine 2561 with a stop codon.
Molecular consequence: nonsense.
Genome position (GRCh38, 1-based): chr14:64,051,594, A>T. VCF-style: chr14-64051594-A-T. GRCh37 (hg19) VCF-style: chr14-64518312-A-T.
Other names: p.Lys2561Ter; c.7681A>T, p.Lys2561Ter (NM_015180.6); short protein forms K2561*.
Identifiers: ClinVar variation 2636157 (VCV002636157.9), dbSNP rs1211378375, ClinGen allele CA389960579.

ClinVar aggregate classification (germline): Conflicting classifications of pathogenicity. Review status: criteria provided, conflicting classifications (1 of 4 stars). 3 submissions from 3 submitters: Likely pathogenic (1); Uncertain significance (2). Last evaluated 2025-10-01.

Conditions:
Emery-Dreifuss muscular dystrophy 5, autosomal dominant (EDMD5). Also called: EMERY-DREIFUSS MUSCULAR DYSTROPHY 5. Identifiers: Orphanet 261, MedGen C2751805, MONDO:0013072, OMIM 612999.
SYNE2-related disorder. Also called: SYNE2-related condition.

Allele frequency attached by ClinVar (database versions not stated): TOPMed 0.00001.
gnomAD v4.1: 2 of 1,613,590 alleles (0.00012%); highest among the groups gnomAD compares: Non-Finnish European, 0.00017%; no homozygotes.

Submissions (3):

CeGaT Center for Human Genetics Tuebingen
Classification: Uncertain significance. Last evaluated: 2025-10-01. Review status: criteria provided, single submitter. Criteria: CeGaT Center For Human Genetics Tuebingen Variant Classification Criteria Version 2. Collection method: clinical testing. Allele origin: germline. Affected: yes. Observed: 1 variant allele.
Comment: SYNE2: PVS1:Moderate, PM2:Supporting

Foundation for Research in Genetics and Endocrinology, FRIGE's Institute of Human Genetics
Classification: Likely pathogenic for Emery-Dreifuss muscular dystrophy 5, autosomal dominant. Last evaluated: 2025-01-21. Review status: criteria provided, single submitter. Criteria: ACMG Guidelines, 2015. Collection method: clinical testing. Allele origin: germline. Inheritance: Autosomal dominant inheritance. Affected: yes. Observed: 1 heterozygote.
Comment: A heterozygous nonsense variant in exon 48 of the SYNE2 gene that results in a stop codon at 2561 was detected. The observed variant c.7681A>T (p.Lys2561Ter) has not been reported in the 1000 genomes and has a MAF of 0.0001% in the gnomAD databases. The in-silico prediction of the variant is deleterious by MutationTaster and DANN. This variant has previously been reported in the ClinVar database and in the dbSNP database. In summary, the variant meets our criteria to be classified as likely pathogenic.

PreventionGenetics, part of Exact Sciences
Classification: Uncertain significance for SYNE2-related condition. Last evaluated: 2022-08-30. Review status: criteria provided, single submitter. Criteria: ACMG Guidelines, 2015. Collection method: clinical testing. Allele origin: germline.
Comment: The SYNE2 c.7681A>T variant is predicted to result in premature protein termination (p.Lys2561*). To our knowledge, this variant has not been reported in the literature or in a large population database, indicating this variant is rare. Few chain-terminating variants in SYNE2 are reported and loss of function has not been conclusively established as a mechanism for SYNE2-related disorder. At this time, the clinical significance of this variant is uncertain due to the absence of conclusive functional and genetic evidence.